The following is an entry in ClinVar:

NM_198578.4(LRRK2):c.6109+6del

Gene: LRRK2 (leucine rich repeat kinase 2; plus strand). Cytogenetic location: 12q12.
Variant type: Deletion.
Coding change: c.6109+6del on transcript NM_198578.4 (MANE Select); 6 bases into the intron after coding-DNA position 6109, one base deleted (T; older notation c.6109+6delT).
Molecular consequence: intron variant.
Genome position (GRCh38, 1-based): chr12:40,340,460, T deleted. VCF-style (leftmost placement, unchanged base first): chr12-40340459-GT-G. GRCh37 (hg19) VCF-style: chr12-40734261-GT-G.
Identifiers: ClinVar variation 2202122 (VCV002202122.4), dbSNP rs1946005664, ClinGen allele CA2031027366.

ClinVar aggregate classification (germline): Uncertain significance (1 of 4 stars; one submission).

Conditions:
Autosomal dominant Parkinson disease 8. Also called: Parkinson disease 8, susceptibility to; LRRK2-Related Parkinson Disease; Parkinson disease 8. Identifiers: Orphanet 411602, MedGen C1846862, MONDO:0011764, OMIM 607060.

Allele frequency attached by ClinVar (database versions not stated): TOPMed below 0.00001; gnomAD exomes 0.00001.

Submission:

Labcorp Genetics (formerly Invitae), Labcorp
Classification: Uncertain significance for Autosomal dominant Parkinson disease 8. Last evaluated: 2021-12-13. Review status: criteria provided, single submitter. Criteria: Invitae Variant Classification Sherloc (09022015). Collection method: clinical testing. Allele origin: germline.
Comment: In summary, the available evidence is currently insufficient to determine the role of this variant in disease. Therefore, it has been classified as a Variant of Uncertain Significance. Variants that disrupt the consensus splice site are a relatively common cause of aberrant splicing (PMID: 17576681, 9536098). Algorithms developed to predict the effect of sequence changes on RNA splicing suggest that this variant is not likely to affect RNA splicing. This variant has not been reported in the literature in individuals affected with LRRK2-related conditions. This variant is not present in population databases (gnomAD no frequency). This sequence change falls in intron 41 of the LRRK2 gene. It does not directly change the encoded amino acid sequence of the LRRK2 protein. It affects a nucleotide within the consensus splice site.

Literature cited by the submitters: PubMed 17576681; PubMed 9536098.